The following is an entry in ClinVar:

NM_001382391.1(CSPP1):c.274C>T (p.Arg92Trp)

Gene: CSPP1 (centrosome and spindle pole associated protein 1; plus strand). Cytogenetic location: 8q13.1.
Variant type: single nucleotide variant.
Coding change: c.274C>T on transcript NM_001382391.1 (MANE Select); coding-DNA position 274, C replaced by T.
Protein change: p.Arg92Trp; replaces arginine 92 with tryptophan.
Molecular consequence: missense variant. On other transcripts: 5 prime UTR variant (1).
Genome position (GRCh38, 1-based): chr8:67,086,081, C>T. VCF-style: chr8-67086081-C-T. GRCh37 (hg19) VCF-style: chr8-67998316-C-T.
Other names: c.-501C>T (NM_001291339.2); c.274C>T, p.Arg92Trp (NM_001363131.2, NM_001363132.2, NM_001363133.2); c.382C>T, p.Arg128Trp (NM_001364869.1, NM_001364870.1, NM_024790.7); short protein forms R92W, R128W.
Identifiers: ClinVar variation 834378 (VCV000834378.9), dbSNP rs367889164, ClinGen allele CA4770186.

ClinVar aggregate classification (germline): Uncertain significance. Review status: criteria provided, multiple submitters, no conflicts (2 of 4 stars). 2 submissions from 2 submitters: Uncertain significance (2). Last evaluated 2025-09-07.

Conditions:
Inborn genetic diseases. Identifiers: MedGen C0950123, MeSH D030342.
Joubert syndrome 21 (JBTS21). Identifiers: MedGen C3810212, MONDO:0014288, OMIM 615636.

Allele frequency attached by ClinVar (database versions not stated): ExAC 0.00003; ESP Exome Variant Server 0.00017; TOPMed 0.00018.

Submissions (2):

Labcorp Genetics (formerly Invitae), Labcorp
Classification: Uncertain significance for Joubert syndrome 21. Last evaluated: 2025-09-07. Review status: criteria provided, single submitter. Criteria: Invitae Variant Classification Sherloc (09022015). Collection method: clinical testing. Allele origin: germline.
Comment: This sequence change replaces arginine, which is basic and polar, with tryptophan, which is neutral and slightly polar, at codon 128 of the CSPP1 protein (p.Arg128Trp). This variant is present in population databases (rs367889164, gnomAD 0.02%). This variant has not been reported in the literature in individuals affected with CSPP1-related conditions. ClinVar contains an entry for this variant (Variation ID: 834378). An algorithm developed to predict the effect of missense changes on protein structure and function (PolyPhen-2) suggests that this variant is likely to be disruptive. In summary, the available evidence is currently insufficient to determine the role of this variant in disease. Therefore, it has been classified as a Variant of Uncertain Significance.

Ambry Genetics
Classification: Uncertain significance for Inborn genetic diseases. Last evaluated: 2025-03-07. Review status: criteria provided, single submitter. Criteria: Ambry Variant Classification Scheme 2023. Collection method: clinical testing. Allele origin: germline.